The following is an entry in ClinVar:

ClinVar aggregate classification (germline): Uncertain significance (1 of 4 stars; one submission).

Allele frequency attached by ClinVar (database versions not stated): gnomAD exomes below 0.00001.
gnomAD v4.1: 1 of 1,463,724 alleles (0.000068%); highest among the groups gnomAD compares: South Asian, 0.0013%; no homozygotes.

Submission:

GeneDx
Classification: Uncertain significance. Last evaluated: 2022-06-16. Review status: criteria provided, single submitter. Criteria: GeneDx Variant Classification Process June 2021. Collection method: clinical testing. Allele origin: germline. Affected: yes.
Comment: Not observed at significant frequency in large population cohorts (gnomAD); In silico analysis supports that this missense variant does not alter protein structure/function; Has not been previously published as pathogenic or benign to our knowledge

NM_000836.4(GRIN2D):c.301C>A (p.Leu101Met)

Gene: GRIN2D (glutamate ionotropic receptor NMDA type subunit 2D; plus strand). Cytogenetic location: 19q13.33.
Variant type: single nucleotide variant.
Coding change: c.301C>A on transcript NM_000836.4 (MANE Select); coding-DNA position 301, C replaced by A.
Protein change: p.Leu101Met; replaces leucine 101 with methionine.
Molecular consequence: missense variant.
Genome position (GRCh38, 1-based): chr19:48,398,693, C>A. VCF-style: chr19-48398693-C-A. GRCh37 (hg19) VCF-style: chr19-48901950-C-A.
Other names: short protein forms L101M.
Identifiers: ClinVar variation 1804229 (VCV001804229.1), dbSNP rs2516062419, ClinGen allele CA406688883.